The following is an entry in ClinVar:

ClinVar aggregate classification (germline): Uncertain significance (1 of 4 stars; one submission).

Submission:

GeneDx
Classification: Uncertain significance. Last evaluated: 2024-09-12. Review status: criteria provided, single submitter. Criteria: GeneDx Variant Classification Process June 2021. Collection method: clinical testing. Allele origin: germline. Affected: yes.
Comment: Not observed at significant frequency in large population cohorts (gnomAD); In silico analysis supports that this missense variant has a deleterious effect on protein structure/function; Has not been previously published as pathogenic or benign to our knowledge

NM_001321075.3(DLG4):c.769C>T (p.Pro257Ser)

Gene: DLG4 (discs large MAGUK scaffold protein 4; minus strand). Cytogenetic location: 17p13.1.
Variant type: single nucleotide variant.
Coding change: c.769C>T on transcript NM_001321075.3 (MANE Select); coding-DNA position 769, C replaced by T.
Protein change: p.Pro257Ser; replaces proline 257 with serine.
Molecular consequence: missense variant. On other transcripts: non-coding transcript variant (1).
Genome position (GRCh38, 1-based): chr17:7,202,921, G>A on the plus strand (C>T on the coding strand, the complement: DLG4 is on the minus strand). VCF-style: chr17-7202921-G-A. GRCh37 (hg19) VCF-style: chr17-7106240-G-A.
Other names: c.760C>T, p.Pro254Ser (NM_001128827.4); c.889C>T, p.Pro297Ser (NM_001321074.1); c.589C>T, p.Pro197Ser (NM_001321076.3, NM_001321077.3); c.898C>T, p.Pro300Ser (NM_001365.5); c.688C>T, p.Pro230Ser (NM_001369566.3); short protein forms P197S, P230S, P254S, P257S, P297S, P300S.
Identifiers: ClinVar variation 3769690 (VCV003769690.1).
Genomic context (GRCh38, chr17:7,202,921, plus strand): 5'-GGGATGGGTCATGGGGAACTTTGGTGTTTGAAGGGCTCTCACAGGTTGTGATGTCTGGGG[G>A]AGCATAGCTGTCACTCAGGTAGGCATTGCTGGGCTTGGCCACCTTTAGGTAGACAACATC-3'
Protein context (NP_001308004.1, residues 247-267): SNAYLSDSYA[Pro257Ser]PDITTSYSQH